The following is an entry in ClinVar:

NM_005591.4(MRE11):c.630G>C (p.Trp210Cys)

Gene: MRE11 (MRE11 double strand break repair nuclease; minus strand). Cytogenetic location: 11q21.
Variant type: single nucleotide variant.
Coding change: c.630G>C on transcript NM_005591.4 (MANE Select); coding-DNA position 630, G replaced by C.
Protein change: p.Trp210Cys; replaces tryptophan 210 with cysteine.
Molecular consequence: missense variant.
Genome position (GRCh38, 1-based): chr11:94,476,318, C>G on the plus strand (G>C on the coding strand, the complement: MRE11 is on the minus strand). VCF-style: chr11-94476318-C-G. GRCh37 (hg19) VCF-style: chr11-94209484-C-G.
Other names: c.630G>C, p.Trp210Cys (NM_001330347.2, NM_005590.4); short protein forms W210C.
Identifiers: ClinVar variation 8786 (VCV000008786.13), dbSNP rs137852763, ClinGen allele CA119930.
Genomic context (GRCh38, chr11:94,476,318, plus strand): 5'-TGGCTCAAACTTTTTCAGAGAAAAGTTTTACCTGTTCTGATGAATCACAAATAAGTTAAA[C>G]CAAGAGTTCTCATCTTCCTTTGGTCTCAACATTGTTACTTTTTTATTGACAAACATTCGA-3'
Protein context (NP_005582.1, residues 200-220): MLRPKEDENS[Trp210Cys]FNLFVIHQNR

ClinVar aggregate classification (germline): Pathogenic/Likely pathogenic. Review status: criteria provided, multiple submitters, no conflicts (2 of 4 stars). 8 submissions from 8 submitters: Pathogenic (5); Likely pathogenic (1). 2 of the submissions do not count toward it. Last evaluated 2024-03-17.

Conditions:
MRE11A-related disorders.
Ataxia-telangiectasia-like disorder 1 (ATLD1). Identifiers: Orphanet 251347, MedGen C4012790, MONDO:0024557, OMIM 604391.

Submissions (8):

Genomic Medicine Center of Excellence, King Faisal Specialist Hospital and Research Centre
Classification: Pathogenic for Ataxia-telangiectasia-like disorder 1. Last evaluated: 2024-03-17. Review status: criteria provided, single submitter. Criteria: ACMG Guidelines, 2015. Collection method: research. Allele origin: germline.

GeneDx
Classification: Pathogenic. Last evaluated: 2024-02-02. Review status: criteria provided, single submitter. Criteria: GeneDx Variant Classification Process June 2021. Collection method: clinical testing. Allele origin: germline. Affected: yes.
Comment: Published functional studies suggest the p.(W210C) variant results in slightly lower nuclease activity, diminishes the interaction with Nbs1, and has similar sensitivity to DNA damage when compared to wildtype (PMID: 22078559, 22705791, 23080121, 23388631); In silico analysis supports that this missense variant has a deleterious effect on protein structure/function; Not observed at significant frequency in large population cohorts (gnomAD); This variant is associated with the following publications: (PMID: 35048780, 31908056, 18652530, 15574463, 22705791, 31033087, 37808486, 23388631, 21324166, 22078559, 23080121, 32668560, 27124789, 17674145, 21035407, 18568480, 16189143, 31130284, 18083591)

Revvity Omics, Revvity
Classification: Likely pathogenic for Ataxia-telangiectasia-like disorder 1. Last evaluated: 2023-09-04. Review status: criteria provided, single submitter. Criteria: ACMG Guidelines, 2015. Collection method: clinical testing. Allele origin: germline.

Baylor Genetics
Classification: Pathogenic for Ataxia-telangiectasia-like disorder 1. Last evaluated: 2020-01-17. Review status: criteria provided, single submitter. Criteria: ACMG Guidelines, 2015. Collection method: clinical testing. Allele origin: unknown. Affected: yes.
Comment: This variant was determined to be pathogenic according to ACMG Guidelines, 2015 [PMID:25741868].

Blueprint Genetics
Classification: Pathogenic for MRE11A-related disorders. Last evaluated: 2018-11-14. Review status: criteria provided, single submitter. Criteria: ACMG Guidelines, 2015. Collection method: clinical testing. Allele origin: germline. Affected: yes. Observed: 1 variant allele.

Athena Diagnostics
Classification: Pathogenic. Last evaluated: 2016-06-30. Review status: criteria provided, single submitter. Criteria: Athena Diagnostics Criteria. Collection method: clinical testing. Allele origin: germline.

Biochemical Molecular Genetic Laboratory, King Abdulaziz Medical City
Classification: Pathogenic for Ataxia-telangiectasia-like disorder 1. Last evaluated: 2019-09-26. Review status: no assertion criteria provided. Collection method: clinical testing. Allele origin: germline. Affected: yes. Not counted in ClinVar's aggregate classification.

OMIM
Classification: Pathogenic for ATAXIA-TELANGIECTASIA-LIKE DISORDER 1. Last evaluated: 2005-01-15. Review status: no assertion criteria provided. Collection method: literature only. Allele origin: germline. Not counted in ClinVar's aggregate classification.

Literature cited by the submitters: PubMed 15574463 (cited by Athena Diagnostics and OMIM); PubMed 18652530 (cited by Athena Diagnostics); PubMed 21324166 (cited by Athena Diagnostics); PubMed 27124789 (cited by Athena Diagnostics); PubMed 23080121 (cited by Athena Diagnostics); PubMed 22705791 (cited by Athena Diagnostics); PubMed 22078559 (cited by Athena Diagnostics).